The following is an entry in ClinVar:

NM_001292063.2(OTOG):c.2294-7A>G

Gene: OTOG (otogelin; plus strand). Cytogenetic location: 11p15.1.
Variant type: single nucleotide variant.
Coding change: c.2294-7A>G on transcript NM_001292063.2 (MANE Select); 7 bases into the intron before coding-DNA position 2294, A replaced by G.
Molecular consequence: intron variant.
Genome position (GRCh38, 1-based): chr11:17,574,713, A>G. VCF-style: chr11-17574713-A-G. GRCh37 (hg19) VCF-style: chr11-17596260-A-G.
Other names: c.2330-7A>G (NM_001277269.2).
Identifiers: ClinVar variation 505301 (VCV000505301.11), dbSNP rs200998174, ClinGen allele CA5905608.

ClinVar aggregate classification (germline): Conflicting classifications of pathogenicity. Review status: criteria provided, conflicting classifications (1 of 4 stars). 3 submissions from 3 submitters: Uncertain significance (1); Likely benign (2). Last evaluated 2025-08-04.

Allele frequency attached by ClinVar (database versions not stated): ExAC 0.00007; gnomAD 0.00008 and 0.00009; gnomAD exomes 0.00010 and 0.00014; TOPMed 0.00011.
gnomAD v4.1: 150 of 1,547,264 alleles (0.0097%); highest among the groups gnomAD compares: Admixed American, 0.051%; no homozygotes.

Submissions (3):

Labcorp Genetics (formerly Invitae), Labcorp
Classification: Likely benign. Last evaluated: 2025-08-04. Review status: criteria provided, single submitter. Criteria: Invitae Variant Classification Sherloc (09022015). Collection method: clinical testing. Allele origin: germline.

GeneDx
Classification: Likely benign. Last evaluated: 2021-04-30. Review status: criteria provided, single submitter. Criteria: GeneDx Variant Classification Process June 2021. Collection method: clinical testing. Allele origin: germline. Affected: yes.

Laboratory for Molecular Medicine, Mass General Brigham Personalized Medicine
Classification: Uncertain significance. Last evaluated: 2016-10-09. Review status: criteria provided, single submitter. Criteria: LMM Criteria. Collection method: clinical testing. Allele origin: germline. Observed: 1 variant allele.
Comment: Variant classified as Uncertain Significance - Favor Benign. The c.2330-7A>G var iant in OTOG has not been previously reported in individuals with hearing loss, but has been identified in 1/4954 European chromosomes by the Exome Aggregation Consortium (ExAC; dbSNP rs200998174). This vari ant is located in the 3' splice region. Computational tools do not suggest an im pact to splicing. However, this information is not predictive enough to rule out pathogenicity. In summary, while the clinical significance of the c.2330-7A>G variant is uncertain, these data suggest that it is more likely to be benign.